The following is an entry in ClinVar:

NM_000135.4(FANCA):c.1826+6C>T

Gene: FANCA (FA complementation group A; minus strand). Cytogenetic location: 16q24.3.
Variant type: single nucleotide variant.
Coding change: c.1826+6C>T on transcript NM_000135.4 (MANE Select); 6 bases into the intron after coding-DNA position 1826, C replaced by T.
Molecular consequence: intron variant.
Genome position (GRCh38, 1-based): chr16:89,778,795, G>A on the plus strand (C>T on the coding strand, the complement: FANCA is on the minus strand). VCF-style: chr16-89778795-G-A. GRCh37 (hg19) VCF-style: chr16-89845203-G-A.
Other names: c.1826+6C>T (NM_001286167.3).
Identifiers: ClinVar variation 1412524 (VCV001412524.6), dbSNP rs748528553, ClinGen allele CA2573152905.
Genomic context (GRCh38, chr16:89,778,795, plus strand): 5'-CACAATTCTTCGCATTGTCAGAAGAAACCTGGAAGTAGTCATCCCCTTCTAACCGTTGCT[G>A]CATACCTCTTCAGAGACTCTATAAACGCCACACGGGAGTCAGGGACTTTGGGGAGCTGTG-3'

ClinVar aggregate classification (germline): Uncertain significance (1 of 4 stars; one submission).

Conditions:
Fanconi anemia (FA). Also called: Fanconi's anemia. Identifiers: Orphanet 84, MedGen C0015625, MeSH D005199, MONDO:0019391.

Allele frequency attached by ClinVar (database versions not stated): gnomAD exomes below 0.00001.
gnomAD v4.1: 3 of 1,613,676 alleles (0.00019%); highest among the groups gnomAD compares: Non-Finnish European, 0.00025%; no homozygotes.

Submission:

Labcorp Genetics (formerly Invitae), Labcorp
Classification: Uncertain significance for Fanconi anemia. Last evaluated: 2022-08-09. Review status: criteria provided, single submitter. Criteria: Invitae Variant Classification Sherloc (09022015). Collection method: clinical testing. Allele origin: germline.
Comment: This sequence change falls in intron 20 of the FANCA gene. It does not directly change the encoded amino acid sequence of the FANCA protein. It affects a nucleotide within the consensus splice site. This variant is not present in population databases (gnomAD no frequency). This variant has not been reported in the literature in individuals affected with FANCA-related conditions. ClinVar contains an entry for this variant (Variation ID: 1412524). Variants that disrupt the consensus splice site are a relatively common cause of aberrant splicing (PMID: 17576681, 9536098). Algorithms developed to predict the effect of sequence changes on RNA splicing suggest that this variant may disrupt the consensus splice site. In summary, the available evidence is currently insufficient to determine the role of this variant in disease. Therefore, it has been classified as a Variant of Uncertain Significance.

Literature cited by the submitters: PubMed 17576681; PubMed 9536098.